The following is an entry in ClinVar:

ClinVar aggregate classification (germline): Uncertain significance. Review status: criteria provided, multiple submitters, no conflicts (2 of 4 stars). 2 submissions from 2 submitters: Uncertain significance (2). Last evaluated 2025-01-19.

Conditions:
Inborn genetic diseases. Identifiers: MedGen C0950123, MeSH D030342.

Allele frequency attached by ClinVar (database versions not stated): gnomAD exomes below 0.00001 and 0.00001; ExAC 0.00001; TOPMed 0.00002; gnomAD 0.00003.
gnomAD v4.1: 15 of 1,614,022 alleles (0.00093%); highest among the groups gnomAD compares: Non-Finnish European, 0.0013%; no homozygotes.

Submissions (2):

Ambry Genetics
Classification: Uncertain significance for Inborn genetic diseases. Last evaluated: 2025-01-19. Review status: criteria provided, single submitter. Criteria: Ambry Variant Classification Scheme 2023. Collection method: clinical testing. Allele origin: germline.

Labcorp Genetics (formerly Invitae), Labcorp
Classification: Uncertain significance. Last evaluated: 2021-06-24. Review status: criteria provided, single submitter. Criteria: Invitae Variant Classification Sherloc (09022015). Collection method: clinical testing. Allele origin: germline.
Comment: Algorithms developed to predict the effect of missense changes on protein structure and function (SIFT, PolyPhen-2, Align-GVGD) all suggest that this variant is likely to be tolerated, but these predictions have not been confirmed by published functional studies and their clinical significance is uncertain. In summary, the available evidence is currently insufficient to determine the role of this variant in disease. Therefore, it has been classified as a Variant of Uncertain Significance. This variant has not been reported in the literature in individuals with PDP1-related conditions. This variant is present in population databases (rs761913953, ExAC 0.001%). This sequence change replaces alanine with serine at codon 72 of the PDP1 protein (p.Ala72Ser). The alanine residue is moderately conserved and there is a moderate physicochemical difference between alanine and serine.

NM_018444.4(PDP1):c.214G>T (p.Ala72Ser)

Gene: PDP1 (pyruvate dehydrogenase phosphatase catalytic subunit 1; plus strand). Cytogenetic location: 8q22.1.
Variant type: single nucleotide variant.
Coding change: c.214G>T on transcript NM_018444.4 (MANE Select); coding-DNA position 214, G replaced by T.
Protein change: p.Ala72Ser; replaces alanine 72 with serine.
Molecular consequence: missense variant.
Genome position (GRCh38, 1-based): chr8:93,922,273, G>T. VCF-style: chr8-93922273-G-T. GRCh37 (hg19) VCF-style: chr8-94934501-G-T.
Other names: c.289G>T, p.Ala97Ser (NM_001161779.2, NM_001161780.2); c.214G>T, p.Ala72Ser (NM_001161781.2); c.214G>T (NM_018444.3); short protein forms A72S, A97S.
Identifiers: ClinVar variation 1441866 (VCV001441866.9), dbSNP rs761913953, ClinGen allele CA4808669.